The following is an entry in ClinVar:

ClinVar aggregate classification (germline): Uncertain significance (1 of 4 stars; one submission).

Conditions:
Hereditary breast ovarian cancer syndrome. Also called: Hereditary breast and ovarian cancer syndrome (HBOC); BRCA1- and BRCA2-Associated Hereditary Breast and Ovarian Cancer; Breast and ovarian cancer; Hereditary breast and ovarian cancer; Hereditary breast and ovarian cancer syndrome; Hereditary breast and/or ovarian cancer syndrome. Identifiers: Orphanet 145, MedGen C0677776, MeSH D061325, MONDO:0003582. Disease mechanism: loss of function.

gnomAD v4.1: 3 of 1,613,494 alleles (0.00019%); highest among the groups gnomAD compares: Non-Finnish European, 0.00025%; no homozygotes.

Submission:

Labcorp Genetics (formerly Invitae), Labcorp
Classification: Uncertain significance for Hereditary breast ovarian cancer syndrome. Last evaluated: 2024-07-25. Review status: criteria provided, single submitter. Criteria: Invitae Variant Classification Sherloc (09022015). Collection method: clinical testing. Allele origin: germline.
Comment: This sequence change replaces asparagine, which is neutral and polar, with lysine, which is basic and polar, at codon 564 of the BRCA1 protein (p.Asn564Lys). This variant is not present in population databases (gnomAD no frequency). This variant has not been reported in the literature in individuals affected with BRCA1-related conditions. Advanced modeling of protein sequence and biophysical properties (such as structural, functional, and spatial information, amino acid conservation, physicochemical variation, residue mobility, and thermodynamic stability) performed at Invitae indicates that this missense variant is not expected to disrupt BRCA1 protein function with a negative predictive value of 95%. In summary, the available evidence is currently insufficient to determine the role of this variant in disease. Therefore, it has been classified as a Variant of Uncertain Significance.

NM_007294.4(BRCA1):c.1692T>A (p.Asn564Lys)

Gene: BRCA1 (BRCA1 DNA repair associated; minus strand). Cytogenetic location: 17q21.31.
Variant type: single nucleotide variant.
Coding change: c.1692T>A on transcript NM_007294.4 (MANE Select); coding-DNA position 1692, T replaced by A.
Protein change: p.Asn564Lys; replaces asparagine 564 with lysine.
Molecular consequence: missense variant. On other transcripts: intron variant (137).
Genome position (GRCh38, 1-based): chr17:43,093,839, A>T on the plus strand (T>A on the coding strand, the complement: BRCA1 is on the minus strand). VCF-style: chr17-43093839-A-T. GRCh37 (hg19) VCF-style: chr17-41245856-A-T.
Other names: c.1479T>A, p.Asn493Lys (NM_001407571.1, NM_001407853.1, NM_001407894.1 and 9 more transcripts); c.1692T>A, p.Asn564Lys (NM_001407581.1, NM_001407582.1, NM_001407583.1 and 30 more transcripts); c.1689T>A, p.Asn563Lys (NM_001407587.1, NM_001407590.1, NM_001407591.1 and 22 more transcripts); c.1683T>A, p.Asn561Lys (NM_001407646.1, NM_001407647.1); c.1569T>A, p.Asn523Lys (NM_001407648.1, NM_001407664.1, NM_001407665.1 and 19 more transcripts); c.1566T>A, p.Asn522Lys (NM_001407649.1, NM_001407670.1, NM_001407671.1 and 11 more transcripts); c.1614T>A, p.Asn538Lys (NM_001407653.1, NM_001407654.1, NM_001407655.1 and 4 more transcripts); c.1611T>A, p.Asn537Lys (NM_001407659.1, NM_001407660.1, NM_001407661.1 and 1 more transcripts); and 40 more; short protein forms N475K, N497K, N522K, N561K, N396K, N537K, N563K, N564K.
Identifiers: ClinVar variation 3690548 (VCV003690548.2).